The following is an entry in ClinVar:

NM_005032.7(PLS3):c.227A>G (p.Glu76Gly)

Gene: PLS3 (plastin 3; plus strand). Cytogenetic location: Xq23.
Variant type: single nucleotide variant.
Coding change: c.227A>G on transcript NM_005032.7 (MANE Select); coding-DNA position 227, A replaced by G.
Protein change: p.Glu76Gly; replaces glutamic acid 76 with glycine.
Molecular consequence: missense variant. On other transcripts: intron variant (1).
Genome position (GRCh38, 1-based): chrX:115,622,399, A>G. VCF-style: chrX-115622399-A-G. GRCh37 (hg19) VCF-style: chrX-114856711-A-G.
Other names: c.227A>G, p.Glu76Gly (NM_001136025.5, NM_001440791.1, NM_001440792.1); c.161A>G, p.Glu54Gly (NM_001282337.2); c.92A>G, p.Glu31Gly (NM_001282338.2); c.156+71A>G (NM_001172335.3); short protein forms E31G, E54G, E76G.
Identifiers: ClinVar variation 4989278 (VCV004989278.1).

ClinVar aggregate classification (germline): Uncertain significance (1 of 4 stars; one submission).

Conditions:
PLS3-related disorder. Also called: PLS3-related condition.

gnomAD v4.1: 27 of 1,172,599 alleles (0.0023%); highest among the groups gnomAD compares: Non-Finnish European, 0.0028%; no homozygotes.

Submission:

PreventionGenetics, part of Exact Sciences
Classification: Uncertain significance for PLS3-related condition. Last evaluated: 2026-06-24. Review status: criteria provided, single submitter. Criteria: ACMG Guidelines, 2015. Collection method: clinical testing. Allele origin: germline.
Comment: The PLS3 c.227A>G variant is predicted to result in the amino acid substitution p.Glu76Gly. To our knowledge, this variant has not been reported in the literature. This variant is reported in 0.0013% of alleles in individuals of European (Non-Finnish) descent in gnomAD. At this time, the clinical significance of this variant is uncertain due to the absence of conclusive functional and genetic evidence.